The following is an entry in ClinVar:

ClinVar aggregate classification (germline): Uncertain significance. Review status: criteria provided, multiple submitters, no conflicts (2 of 4 stars). 4 submissions from 4 submitters: Uncertain significance (4). Last evaluated 2025-10-21.

Conditions:
DNMT1-related disorder. Also called: DNMT1-related condition. Identifiers: MedGen CN381527.
Hereditary sensory neuropathy-deafness-dementia syndrome. Also called: NEUROPATHY, HEREDITARY SENSORY, WITH HEARING LOSS AND DEMENTIA; Hereditary Sensory and Autonomic Neuropathy Type 1E (HSAN1E); Hereditary sensory neuropathy type IE; HSN IE. Identifiers: Orphanet 456318, MedGen C3279885, MONDO:0013584, OMIM 614116.

Allele frequency attached by ClinVar (database versions not stated): TOPMed below 0.00001; gnomAD 0.00001; gnomAD exomes 0.00004.
gnomAD v4.1: 57 of 1,612,708 alleles (0.0035%); highest among the groups gnomAD compares: Non-Finnish European, 0.0048%; no homozygotes.

Submissions (4):

PreventionGenetics, part of Exact Sciences
Classification: Uncertain significance for DNMT1-related condition. Last evaluated: 2025-10-21. Review status: criteria provided, single submitter. Criteria: ACMG Guidelines, 2015. Collection method: clinical testing. Allele origin: germline.
Comment: The DNMT1 c.4204A>T variant is predicted to result in the amino acid substitution p.Ile1402Phe. To our knowledge, this variant has not been reported in the literature or in a large population database (gnomAD), indicating this variant is rare. At this time, the clinical significance of this variant is uncertain due to the absence of conclusive functional and genetic evidence.

Blueprint Genetics
Classification: Uncertain significance. Last evaluated: 2022-11-14. Review status: criteria provided, single submitter. Criteria: ACMG Guidelines, 2015. Collection method: clinical testing. Allele origin: germline.

Labcorp Genetics (formerly Invitae), Labcorp
Classification: Uncertain significance for Hereditary sensory neuropathy-deafness-dementia syndrome. Last evaluated: 2021-09-17. Review status: criteria provided, single submitter. Criteria: Invitae Variant Classification Sherloc (09022015). Collection method: clinical testing. Allele origin: germline.
Comment: This sequence change replaces isoleucine with phenylalanine at codon 1402 of the DNMT1 protein (p.Ile1402Phe). The isoleucine residue is highly conserved and there is a small physicochemical difference between isoleucine and phenylalanine. This variant is not present in population databases (ExAC no frequency). This variant has not been reported in the literature in individuals affected with DNMT1-related conditions. ClinVar contains an entry for this variant (Variation ID: 327888). Algorithms developed to predict the effect of missense changes on protein structure and function are either unavailable or do not agree on the potential impact of this missense change (SIFT: "Deleterious"; PolyPhen-2: "Benign"; Align-GVGD: "Class C0"). In summary, the available evidence is currently insufficient to determine the role of this variant in disease. Therefore, it has been classified as a Variant of Uncertain Significance.

Illumina Laboratory Services, Illumina
Classification: Uncertain significance for Hereditary sensory neuropathy-deafness-dementia syndrome. Last evaluated: 2018-01-13. Review status: criteria provided, single submitter. Criteria: ICSL Variant Classification Criteria 13 December 2019. Collection method: clinical testing. Allele origin: germline.

NM_001130823.3(DNMT1):c.4204A>T (p.Ile1402Phe)

Gene: DNMT1 (DNA methyltransferase 1; minus strand). Cytogenetic location: 19p13.2.
Variant type: single nucleotide variant.
Coding change: c.4204A>T on transcript NM_001130823.3 (MANE Select); coding-DNA position 4204, A replaced by T.
Protein change: p.Ile1402Phe; replaces isoleucine 1402 with phenylalanine.
Molecular consequence: missense variant.
Genome position (GRCh38, 1-based): chr19:10,137,921, T>A on the plus strand (A>T on the coding strand, the complement: DNMT1 is on the minus strand). VCF-style: chr19-10137921-T-A. GRCh37 (hg19) VCF-style: chr19-10248597-T-A.
Other names: c.4204A>T (LRG_362t1, NM_001130823.2); c.4156A>T, p.Ile1386Phe (NM_001318730.2, NM_001379.4); c.3841A>T, p.Ile1281Phe (NM_001318731.2); short protein forms I1402F, I1386F, I1281F.
Identifiers: ClinVar variation 327888 (VCV000327888.11), dbSNP rs886054127, ClinGen allele CA10652170.